The following is an entry in ClinVar:

NM_025243.4(SLC19A3):c.1089G>A (p.Met363Ile)

Gene: SLC19A3 (solute carrier family 19 member 3; minus strand). Cytogenetic location: 2q36.3.
Variant type: single nucleotide variant.
Coding change: c.1089G>A on transcript NM_025243.4 (MANE Select); coding-DNA position 1089, G replaced by A.
Protein change: p.Met363Ile; replaces methionine 363 with isoleucine.
Molecular consequence: missense variant.
Genome position (GRCh38, 1-based): chr2:227,695,972, C>T on the plus strand (G>A on the coding strand, the complement: SLC19A3 is on the minus strand). VCF-style: chr2-227695972-C-T. GRCh37 (hg19) VCF-style: chr2-228560688-C-T.
Other names: short protein forms M363I.
Identifiers: ClinVar variation 580575 (VCV000580575.11), dbSNP rs1559247288, ClinGen allele CA350875818.
Genomic context (GRCh38, chr2:227,695,972, plus strand): 5'-ATAGCTGGACTTGAATATCAAATAGCCAGCATAGCACGCCCAGATATTGGCTGTGTAATG[C>T]ATGAGAAATAAAGAACCGGCATTGACAACTGAGAAGACCACCAGAGCCAGCTCTCCCAGA-3'
Protein context (NP_079519.1, residues 353-373): SVVNAGSLFL[Met363Ile]HYTANIWACY

ClinVar aggregate classification (germline): Uncertain significance (1 of 4 stars; one submission).

Conditions:
Biotin-responsive basal ganglia disease (BTBGD). Also called: Thiamine metabolism dysfunction syndrome 2 (biotin- or thiamine-responsive encephalopathy type 2); thiamine-responsive encephalopathy; THIAMINE METABOLISM DYSFUNCTION SYNDROME 2 (BIOTIN- AND THIAMINE-RESPONSIVE TYPE); Thiamine metabolism dysfunction syndrome type 2; Thiamine Transporter-2 Deficiency. Identifiers: Orphanet 199348, Orphanet 65284, MedGen C1843807, MONDO:0011841, OMIM 607483.

Allele frequency attached by ClinVar (database versions not stated): gnomAD exomes below 0.00001.

Submission:

Labcorp Genetics (formerly Invitae), Labcorp
Classification: Uncertain significance for Biotin-responsive basal ganglia disease. Last evaluated: 2019-08-28. Review status: criteria provided, single submitter. Criteria: Invitae Variant Classification Sherloc (09022015). Collection method: clinical testing. Allele origin: germline.
Comment: Algorithms developed to predict the effect of missense changes on protein structure and function are either unavailable or do not agree on the potential impact of this missense change (SIFT: "Tolerated"; PolyPhen-2: "Probably Damaging"; Align-GVGD: "Class C0"). This variant has not been reported in the literature in individuals with SLC19A3-related disease. This variant is not present in population databases (ExAC no frequency). This sequence change replaces methionine with isoleucine at codon 363 of the SLC19A3 protein (p.Met363Ile). The methionine residue is highly conserved and there is a small physicochemical difference between methionine and isoleucine. In summary, the available evidence is currently insufficient to determine the role of this variant in disease. Therefore, it has been classified as a Variant of Uncertain Significance.